The following is an entry in ClinVar:

NM_000484.4(APP):c.733G>T (p.Asp245Tyr)

Gene: APP (amyloid beta precursor protein; minus strand). Cytogenetic location: 21q21.3.
Variant type: single nucleotide variant.
Coding change: c.733G>T on transcript NM_000484.4 (MANE Select); coding-DNA position 733, G replaced by T.
Protein change: p.Asp245Tyr; replaces aspartic acid 245 with tyrosine.
Molecular consequence: missense variant.
Genome position (GRCh38, 1-based): chr21:26,021,972, C>A on the plus strand (G>T on the coding strand, the complement: APP is on the minus strand). VCF-style: chr21-26021972-C-A. GRCh37 (hg19) VCF-style: chr21-27394288-C-A.
Other names: c.718G>T, p.Asp240Tyr (NM_001136016.3); c.565G>T, p.Asp189Tyr (NM_001136129.3, NM_001136130.3); c.628G>T, p.Asp210Tyr (NM_001136131.3); c.733G>T, p.Asp245Tyr (NM_001204301.2, NM_001204302.2, NM_001204303.2 and 3 more transcripts); short protein forms D189Y, D210Y, D240Y, D245Y.
Identifiers: ClinVar variation 4686473 (VCV004686473.1).

ClinVar aggregate classification (germline): Uncertain significance (1 of 4 stars; one submission).

Submission:

GeneDx
Classification: Uncertain significance. Last evaluated: 2025-07-18. Review status: criteria provided, single submitter. Criteria: GeneDx Variant Classification Process June 2021. Collection method: clinical testing. Allele origin: germline. Affected: yes.
Comment: Not observed at significant frequency in large population cohorts (gnomAD); In silico analysis suggests that this missense variant does not alter protein structure/function; Has not been previously published as pathogenic or benign to our knowledge